The following is an entry in ClinVar:

ClinVar aggregate classification (germline): Benign/Likely benign. Review status: criteria provided, multiple submitters, no conflicts (2 of 4 stars). 2 submissions from 2 submitters: Benign (1); Likely benign (1). Last evaluated 2026-09-14.

Conditions:
Colorectal cancer, hereditary nonpolyposis, type 7. Identifiers: Orphanet 144, MedGen C1858380, MONDO:0013725, OMIM 614385.

Allele frequency attached by ClinVar (database versions not stated): gnomAD exomes below 0.00001; TOPMed below 0.00001.
gnomAD v4.1: 1 of 1,614,112 alleles (0.000062%); highest among the groups gnomAD compares: Non-Finnish European, 0.000085%; no homozygotes.

Submissions (2):

Myriad Genetics, Inc.
Classification: Benign for Colorectal cancer, hereditary nonpolyposis, type 7. Last evaluated: 2026-09-14. Review status: criteria provided, single submitter. Criteria: Myriad Autosomal Dominant, Autosomal Recessive and X-Linked Classification Criteria (2023). Collection method: clinical testing. Allele origin: unknown.
Comment: This variant is considered benign. This variant is a silent/synonymous amino acid change and it is not expected to impact splicing.

Ambry Genetics
Classification: Likely benign. Last evaluated: 2020-08-21. Review status: criteria provided, single submitter. Criteria: Ambry Variant Classification Scheme 2023. Collection method: clinical testing. Allele origin: germline.

NM_001040108.2(MLH3):c.2205T>G (p.Gly735=)

Gene: MLH3 (mutL homolog 3; minus strand). Cytogenetic location: 14q24.3.
Variant type: single nucleotide variant.
Coding change: c.2205T>G on transcript NM_001040108.2 (MANE Select); coding-DNA position 2205, T replaced by G.
Protein change: p.Gly735=; no amino-acid change (glycine 735 retained).
Molecular consequence: synonymous variant.
Genome position (GRCh38, 1-based): chr14:75,047,451, A>C on the plus strand (T>G on the coding strand, the complement: MLH3 is on the minus strand). VCF-style: chr14-75047451-A-C. GRCh37 (hg19) VCF-style: chr14-75514154-A-C.
Other names: c.2205T>G, p.Gly735= (NM_014381.3).
Identifiers: ClinVar variation 1787686 (VCV001787686.3), dbSNP rs1892323457, ClinGen allele CA487273516.
Genomic context (GRCh38, chr14:75,047,451, plus strand): 5'-CTCTAAAGATCCTAGCTGTGAACTCAAGCTTAGCTTCTTACGGACGATTGGTTTGGAGAA[A>C]CCAATTAATTTATCTGTTTTCCTACTATCATTGGAAACGTGTCTATACCAGGGGAAAGAG-3'
Protein context (NP_001035197.1, residues 725-745): NDSRKTDKLI[Gly735=]FSKPIVRKKL